The following is an entry in ClinVar:

NM_005529.7(HSPG2):c.9025G>A (p.Val3009Ile)

Gene: HSPG2 (heparan sulfate proteoglycan 2; minus strand). Cytogenetic location: 1p36.12.
Variant type: single nucleotide variant.
Coding change: c.9025G>A on transcript NM_005529.7 (MANE Select); coding-DNA position 9025, G replaced by A.
Protein change: p.Val3009Ile; replaces valine 3009 with isoleucine.
Molecular consequence: missense variant.
Genome position (GRCh38, 1-based): chr1:21,842,266, C>T on the plus strand (G>A on the coding strand, the complement: HSPG2 is on the minus strand). VCF-style: chr1-21842266-C-T. GRCh37 (hg19) VCF-style: chr1-22168759-C-T.
Other names: c.9028G>A, p.Val3010Ile (NM_001291860.2); short protein forms V3010I, V3009I.
Identifiers: ClinVar variation 2178835 (VCV002178835.1), dbSNP rs545515995, ClinGen allele CA670587.

ClinVar aggregate classification (germline): Uncertain significance (1 of 4 stars; one submission).

Allele frequency attached by ClinVar (database versions not stated): ExAC 0.00001; gnomAD exomes 0.00001; TOPMed 0.00004; gnomAD 0.00005.
gnomAD v4.1: 25 of 1,613,614 alleles (0.0015%); highest among the groups gnomAD compares: African/African-American, 0.016%; no homozygotes.

Submission:

Labcorp Genetics (formerly Invitae), Labcorp
Classification: Uncertain significance. Last evaluated: 2022-05-28. Review status: criteria provided, single submitter. Criteria: Invitae Variant Classification Sherloc (09022015). Collection method: clinical testing. Allele origin: germline.
Comment: This sequence change replaces valine, which is neutral and non-polar, with isoleucine, which is neutral and non-polar, at codon 3009 of the HSPG2 protein (p.Val3009Ile). This variant is present in population databases (rs545515995, gnomAD 0.02%). This variant has not been reported in the literature in individuals affected with HSPG2-related conditions. Algorithms developed to predict the effect of missense changes on protein structure and function output the following: SIFT: "Tolerated"; PolyPhen-2: "Benign"; Align-GVGD: "Class C0". The isoleucine amino acid residue is found in multiple mammalian species, which suggests that this missense change does not adversely affect protein function. In summary, the available evidence is currently insufficient to determine the role of this variant in disease. Therefore, it has been classified as a Variant of Uncertain Significance.